The following is an entry in ClinVar:

NM_000132.4(F8):c.5950G>C (p.Val1984Leu)

Gene: F8 (coagulation factor VIII; minus strand). Cytogenetic location: Xq28.
Variant type: single nucleotide variant.
Coding change: c.5950G>C on transcript NM_000132.4 (MANE Select); coding-DNA position 5950, G replaced by C.
Protein change: p.Val1984Leu; replaces valine 1984 with leucine.
Molecular consequence: missense variant.
Genome position (GRCh38, 1-based): chrX:154,903,954, C>G on the plus strand (G>C on the coding strand, the complement: F8 is on the minus strand). VCF-style: chrX-154903954-C-G. GRCh37 (hg19) VCF-style: chrX-154132229-C-G.
Other names: short protein forms V1984L.
Identifiers: ClinVar variation 811395 (VCV000811395.8), dbSNP rs782504844, ClinGen allele CA10567925.

ClinVar aggregate classification (germline): Uncertain significance (1 of 4 stars; one submission).

Conditions:
Hereditary factor VIII deficiency disease (HEMA). Also called: AUTOSOMAL HEMOPHILIA A; Hemophilia A; HEMOPHILIA, CLASSIC; Hemophilia A, congenital; HEM A; Factor 8 deficiency, congenital. Identifiers: Orphanet 98878, MedGen C0019069, MONDO:0010602, OMIM 306700.

Allele frequency attached by ClinVar (database versions not stated): gnomAD exomes 0.00001; ExAC 0.00002; gnomAD 0.00003.
gnomAD v4.1: 7 of 1,208,121 alleles (0.00058%); highest among the groups gnomAD compares: African/African-American, 0.0088%; no homozygotes.

Submission:

ARUP Laboratories, Molecular Genetics and Genomics, ARUP Laboratories
Classification: Uncertain significance for Hereditary factor VIII deficiency disease. Last evaluated: 2019-04-19. Review status: criteria provided, single submitter. Criteria: ARUP Molecular Germline Variant Investigation Process. Collection method: clinical testing. Allele origin: germline.
Comment: The F8 c.5950G>C; p.Val1984Leu variant (rs782504844), to our knowledge, is not reported in the medical literature or gene-specific databases. This variant is found on only three chromosomes (3/204581 alleles) in the Genome Aggregation Database, indicating it is not a common polymorphism. Computational analyses (SIFT, PolyPhen-2) predict that this variant is tolerated, but the valine at codon 1984 is highly conserved, and other amino acid substitutions at nearby codons (p.Phe1982Leu, p.Arg1985Gln, p.Lys1986Ile) have been reported in individuals with hemophilia A (Factor VIII database and references therein). However, given the lack of clinical and functional data, the significance of the p.Val1984Leu variant is uncertain at this time. References: Factor VIII database